The following is an entry in ClinVar:

NM_003839.4(TNFRSF11A):c.570C>T (p.Ser190=)

Gene: TNFRSF11A (TNF receptor superfamily member 11a; plus strand). Cytogenetic location: 18q21.33.
Variant type: single nucleotide variant.
Coding change: c.570C>T on transcript NM_003839.4 (MANE Select); coding-DNA position 570, C replaced by T.
Protein change: p.Ser190=; no amino-acid change (serine 190 retained).
Molecular consequence: synonymous variant.
Genome position (GRCh38, 1-based): chr18:62,360,003, C>T. VCF-style: chr18-62360003-C-T. GRCh37 (hg19) VCF-style: chr18-60027236-C-T.
Other names: c.570C>T, p.Ser190= (NM_001270949.2, NM_001270950.2, NM_001270951.2); c.528C>T, p.Ser176= (NM_001278268.2).
Identifiers: ClinVar variation 289665 (VCV000289665.45), dbSNP rs12721430, ClinGen allele CA8983800.

ClinVar aggregate classification (germline): Benign/Likely benign. Review status: criteria provided, multiple submitters, no conflicts (2 of 4 stars). 7 submissions from 6 submitters: Benign (2); Likely benign (5). Last evaluated 2026-01-30.

Conditions:
Autosomal recessive osteopetrosis 7. Identifiers: Orphanet 178389, MedGen C2676766, MONDO:0012859, OMIM 612301.
Paget disease of bone 2, early-onset (PDB2). Also called: Paget disease of bone 2. Identifiers: MedGen C4085251, MONDO:0011183, OMIM 602080.

Allele frequency attached by ClinVar (database versions not stated): 1000 Genomes Project 0.00160; 1000 Genomes Project 30x 0.00172; gnomAD 0.00312 and 0.00322; ExAC 0.00315; gnomAD exomes 0.00326 and 0.00370; TOPMed 0.00328; ESP Exome Variant Server 0.00338.
gnomAD v4.1: 5,887 of 1,613,996 alleles (0.36%); highest among the groups gnomAD compares: Middle Eastern, 1.6%; 17 homozygotes.

Submissions (7):

Labcorp Genetics (formerly Invitae), Labcorp
Classification: Benign. Last evaluated: 2026-01-30. Review status: criteria provided, single submitter. Criteria: Invitae Variant Classification Sherloc (09022015). Collection method: clinical testing. Allele origin: germline.

CeGaT Center for Human Genetics Tuebingen
Classification: Likely benign. Last evaluated: 2025-09-01. Review status: criteria provided, single submitter. Criteria: CeGaT Center For Human Genetics Tuebingen Variant Classification Criteria Version 2. Collection method: clinical testing. Allele origin: germline. Affected: yes. Observed: 12 variant alleles.
Comment: TNFRSF11A: BP4, BP7, BS2

Blueprint Genetics
Classification: Likely benign. Last evaluated: 2024-11-22. Review status: criteria provided, single submitter. Criteria: ACMG Guidelines, 2015. Collection method: clinical testing. Allele origin: germline.

Illumina Laboratory Services, Illumina
Classification: Likely benign for Autosomal recessive osteopetrosis 7. Last evaluated: 2018-01-12. Review status: criteria provided, single submitter. Criteria: ICSL Variant Classification Criteria 13 December 2019. Collection method: clinical testing. Allele origin: germline.
Comment: This variant was observed in the ICSL laboratory as part of a predisposition screen in an ostensibly healthy population. It had not been previously curated by ICSL or reported in the Human Gene Mutation Database (HGMD: prior to June 1st, 2018), and was therefore a candidate for classification through an automated scoring system. Utilizing variant allele frequency, disease prevalence and penetrance estimates, and inheritance mode, an automated score was calculated to assess if this variant is too frequent to cause the disease. Based on the score and internal cut-off values, a variant classified as likely benign is not then subjected to further curation. The score for this variant resulted in a classification of likely benign for this disease.

Illumina Laboratory Services, Illumina
Classification: Likely benign for Paget disease of bone 2, early-onset. Last evaluated: 2018-01-12. Review status: criteria provided, single submitter. Criteria: ICSL Variant Classification Criteria 13 December 2019. Collection method: clinical testing. Allele origin: germline.
Comment: the same text as in the submission from Illumina Laboratory Services, Illumina above.

Eurofins Ntd Llc (ga)
Classification: Benign. Last evaluated: 2016-07-29. Review status: criteria provided, single submitter. Criteria: EGL Classification Definitions 2015. Collection method: clinical testing. Allele origin: germline. Observed: 1 variant allele, 1 heterozygote.

Breakthrough Genomics
Classification: Likely benign. Review status: criteria provided, single submitter. Criteria: ACMG Guidelines, 2015. Collection method: not provided. Allele origin: germline. Inheritance: Autosomal recessive inheritance. Affected: yes.